The following is an entry in ClinVar:

NM_002558.4(P2RX1):c.73C>T (p.Arg25Cys)

Gene: P2RX1 (purinergic receptor P2X 1; minus strand). Cytogenetic location: 17p13.2.
Variant type: single nucleotide variant.
Coding change: c.73C>T on transcript NM_002558.4 (MANE Select); coding-DNA position 73, C replaced by T.
Protein change: p.Arg25Cys; replaces arginine 25 with cysteine.
Molecular consequence: missense variant.
Genome position (GRCh38, 1-based): chr17:3,916,153, G>A on the plus strand (C>T on the coding strand, the complement: P2RX1 is on the minus strand). VCF-style: chr17-3916153-G-A. GRCh37 (hg19) VCF-style: chr17-3819447-G-A.
Other names: short protein forms R25C.
Identifiers: ClinVar variation 2632501 (VCV002632501.1), dbSNP rs2052405027, ClinGen allele CA397189980.

ClinVar aggregate classification (germline): Uncertain significance (1 of 4 stars; one submission).

Conditions:
P2RX1-related disorder. Also called: P2RX1-related condition.

Allele frequency attached by ClinVar (database versions not stated): TOPMed 0.00001.
gnomAD v4.1: 20 of 1,613,566 alleles (0.0012%); highest among the groups gnomAD compares: Non-Finnish European, 0.0016%; no homozygotes.

Submission:

PreventionGenetics, part of Exact Sciences
Classification: Uncertain significance for P2RX1-related condition. Last evaluated: 2023-06-16. Review status: criteria provided, single submitter. Criteria: ACMG Guidelines, 2015. Collection method: clinical testing. Allele origin: germline.
Comment: The P2RX1 c.73C>T variant is predicted to result in the amino acid substitution p.Arg25Cys. To our knowledge, this variant has not been reported in the literature or in a large population database, indicating this variant is rare. At this time, the clinical significance of this variant is uncertain due to the absence of conclusive functional and genetic evidence.